The following is an entry in ClinVar:

ClinVar aggregate classification (germline): Pathogenic (1 of 4 stars; one submission).

Conditions:
Glycogen storage disease, type II (IOPD). Also called: Pompe Disease; CARDIOMEGALIA GLYCOGENICA DIFFUSA; GLYCOGENOSIS, GENERALIZED, CARDIAC FORM; GSD II; POMPE DISEASE, INFANTILE-ONSET; GLYCOGEN STORAGE DISEASE II, INFANTILE-ONSET. Identifiers: Orphanet 365, MedGen C0017921, MONDO:0009290, OMIM 232300.

Submission:

Genomenon, Inc
Classification: Pathogenic for Glycogen storage disease, type II. Last evaluated: 2026-07-01. Review status: criteria provided, single submitter. Criteria: Genomenon Sequence Variant Interpretation Standards - Updated. Collection method: curation. Allele origin: germline. Affected: yes.
Comment: GAA p.Tyr766Ter (c.2298_2301delinsAAAGTA) is a nonsense variant that introduces a premature stop codon at amino acid position 766 and is predicted to result in a truncated or absent protein product. This variant has been observed in at least one proband with a GAA-related disorder (PMID:34734785). It is absent or not present at a significant frequency in gnomAD. In conclusion, we classify GAA p.Tyr766Ter (c.2298_2301delinsAAAGTA) as a pathogenic variant.

Literature cited by the submitters: PubMed 34734785.

NM_000152.5(GAA):c.2298_2301delinsAAAGTA (p.Tyr766_Phe767delinsTer)

Gene: GAA (alpha glucosidase; plus strand). Cytogenetic location: 17q25.3.
Variant type: Indel.
Coding change: c.2298_2301delinsAAAGTA on transcript NM_000152.5 (MANE Select); coding-DNA positions 2298 to 2301, CTTC replaced by AAAGTA.
Protein change: p.Tyr766_Phe767delinsTer.
Molecular consequence: nonsense.
Genome position (GRCh38, 1-based): chr17:80,117,076-80,117,079, CTTC replaced by AAAGTA. VCF-style: chr17-80117076-CTTC-AAAGTA. GRCh37 (hg19) VCF-style: chr17-78090875-CTTC-AAAGTA.
Other names: c.2298_2301delinsAAAGTA, p.Tyr766_Phe767delinsTer (NM_001079803.3, NM_001079804.3, NM_001406741.1 and 1 more transcripts).
Identifiers: ClinVar variation 4876344 (VCV004876344.1).